The following is an entry in ClinVar:

NM_020436.5(SALL4):c.47A>C (p.Glu16Ala)

Gene: SALL4 (spalt like transcription factor 4; minus strand). Cytogenetic location: 20q13.2.
Variant type: single nucleotide variant.
Coding change: c.47A>C on transcript NM_020436.5 (MANE Select); coding-DNA position 47, A replaced by C.
Protein change: p.Glu16Ala; replaces glutamic acid 16 with alanine.
Molecular consequence: missense variant.
Genome position (GRCh38, 1-based): chr20:51,802,362, T>G on the plus strand (A>C on the coding strand, the complement: SALL4 is on the minus strand). VCF-style: chr20-51802362-T-G. GRCh37 (hg19) VCF-style: chr20-50418901-T-G.
Other names: c.47A>C, p.Glu16Ala (NM_001318031.2); short protein forms E16A.
Identifiers: ClinVar variation 3652167 (VCV003652167.3).

ClinVar aggregate classification (germline): Uncertain significance. Review status: criteria provided, multiple submitters, no conflicts (2 of 4 stars). 2 submissions from 2 submitters: Uncertain significance (2). Last evaluated 2025-09-26.

Conditions:
Inborn genetic diseases. Identifiers: MedGen C0950123, MeSH D030342.
Duane-radial ray syndrome (DRRS). Also called: DR SYNDROME; DUANE ANOMALY WITH RADIAL RAY ABNORMALITIES AND DEAFNESS; Duane-Radial Ray Syndrome/Okihiro Syndrome; ACRORENOOCULAR SYNDROME; Okihiro Syndrome; Duane-Radial Ray Syndrome (DRRS) / Okihiro Syndrome. Identifiers: Orphanet 93293, Orphanet 959, MedGen C1623209, MONDO:0011812, OMIM 607323. Disease mechanism: gain of function.

gnomAD v4.1: 5 of 1,611,354 alleles (0.00031%); highest among the groups gnomAD compares: South Asian, 0.0033%; no homozygotes.

Submissions (2):

Ambry Genetics
Classification: Uncertain significance for Inborn genetic diseases. Last evaluated: 2025-09-26. Review status: criteria provided, single submitter. Criteria: Ambry Variant Classification Scheme 2023. Collection method: clinical testing. Allele origin: germline.

Labcorp Genetics (formerly Invitae), Labcorp
Classification: Uncertain significance for Duane-radial ray syndrome. Last evaluated: 2024-09-03. Review status: criteria provided, single submitter. Criteria: Invitae Variant Classification Sherloc (09022015). Collection method: clinical testing. Allele origin: germline.
Comment: This sequence change replaces glutamic acid, which is acidic and polar, with alanine, which is neutral and non-polar, at codon 16 of the SALL4 protein (p.Glu16Ala). This variant is present in population databases (rs548580637, gnomAD 0.007%). This variant has not been reported in the literature in individuals affected with SALL4-related conditions. An algorithm developed to predict the effect of missense changes on protein structure and function (PolyPhen-2) suggests that this variant is likely to be disruptive. In summary, the available evidence is currently insufficient to determine the role of this variant in disease. Therefore, it has been classified as a Variant of Uncertain Significance.